The following is an entry in ClinVar:

NM_007055.4(POLR3A):c.967_968del (p.Asn322_Ser323insTer)

Gene: POLR3A (RNA polymerase III subunit A; minus strand). Cytogenetic location: 10q22.3.
Variant type: Deletion.
Coding change: c.967_968del on transcript NM_007055.4 (MANE Select); coding-DNA positions 967 to 968, 2 bases deleted (AG; older notation c.967_968delAG).
Protein change: p.Asn322_Ser323insTer.
Molecular consequence: nonsense.
Genome position (GRCh38, 1-based): chr10:78,021,940-78,021,941, CT deleted on the plus strand (AG on the coding strand, the reverse complement: POLR3A is on the minus strand). VCF-style (leftmost placement, unchanged base first): chr10-78021939-ACT-A. GRCh37 (hg19) VCF-style: chr10-79781697-ACT-A.
Identifiers: ClinVar variation 4724596 (VCV004724596.1).
Genomic context (GRCh38, chr10:78,021,939, plus strand): 5'-TTGGACGAAGCCTCTGGTCCACTTCTTGGGTGCCATGTTGAGGGGAATGCCCGAGAGCTC[ACT>A]GTTAATGTAGAGGGCACACTGCAGCTGCAGGAAATCCCAGTCCTCCATGATCATCTGGGT-3'

ClinVar aggregate classification (germline): Pathogenic (1 of 4 stars; one submission).

Submission:

Labcorp Genetics (formerly Invitae), Labcorp
Classification: Pathogenic. Last evaluated: 2025-08-07. Review status: criteria provided, single submitter. Criteria: Invitae Variant Classification Sherloc (09022015). Collection method: clinical testing. Allele origin: germline.
Comment: This sequence change creates a premature translational stop signal (p.Ser323*) in the POLR3A gene. It is expected to result in an absent or disrupted protein product. Loss-of-function variants in POLR3A are known to be pathogenic (PMID: 21855841, 25339210, 27612211, 30414627, 30450527). This variant is not present in population databases (gnomAD no frequency). This variant has not been reported in the literature in individuals affected with POLR3A-related conditions. For these reasons, this variant has been classified as Pathogenic.

Literature cited by the submitters: PubMed 21855841; PubMed 25339210; PubMed 27612211; PubMed 30414627; PubMed 30450527.